The following is an entry in ClinVar:

ClinVar aggregate classification (germline): Pathogenic (1 of 4 stars; one submission).

Conditions:
Chopra-Amiel-Gordon syndrome (CAGS). Also called: ANKRD17-Related Neurodevelopmental Syndrome. Identifiers: MedGen C5561975, MONDO:0859186, OMIM 619504.

Submission:

Victorian Clinical Genetics Services, Murdoch Childrens Research Institute
Classification: Pathogenic for Chopra-Amiel-Gordon syndrome. Last evaluated: 2023-07-16. Review status: criteria provided, single submitter. Criteria: ACMG Guidelines, 2015. Collection method: clinical testing. Allele origin: germline. Inheritance: Autosomal dominant inheritance. Affected: yes.
Comment: Based on the classification scheme VCGS_Germline_v1.3.4, this variant is classified as Pathogenic. Following criteria are met: 0102 - Loss of function is a known mechanism of disease in this gene and is associated with Chopra-Amiel-Gordon syndrome (MIM#619504). (I) 0107 - This gene is associated with autosomal dominant disease. (I) 0201 - Variant is predicted to cause nonsense-mediated decay (NMD) and loss of protein (premature termination codon is located at least 54 nucleotides upstream of the final exon-exon junction). (SP) 0251 - This variant is heterozygous. (I) 0301 - Variant is absent from gnomAD (both v2 and v3). (SP) 0701 - Other NMD-predicted variants comparable to the one identified in this case have very strong previous evidence for pathogenicity. These variants have been reported in multiple individuals with syndromic intellectual disability, where most variants arose de novo (ClinVar, PMID: 33909992). (SP) 0807 - This variant has no previous evidence of pathogenicity. (I) 0905 - No published segregation evidence has been identified for this variant. (I) 1007 - No published functional evidence has been identified for this variant. (I) 1208 - Inheritance information for this variant is not currently available in this individual. (I) Legend: (SP) - Supporting pathogenic, (I) - Information, (SB) - Supporting benign

Literature cited by the submitters: PubMed 33909992.

NM_032217.5(ANKRD17):c.7504C>T (p.Arg2502Ter)

Gene: ANKRD17 (ankyrin repeat domain 17; minus strand). Cytogenetic location: 4q13.3.
Variant type: single nucleotide variant.
Coding change: c.7504C>T on transcript NM_032217.5 (MANE Select); coding-DNA position 7504, C replaced by T.
Protein change: p.Arg2502Ter; replaces arginine 2502 with a stop codon.
Molecular consequence: nonsense.
Genome position (GRCh38, 1-based): chr4:73,077,438, G>A on the plus strand (C>T on the coding strand, the complement: ANKRD17 is on the minus strand). VCF-style: chr4-73077438-G-A. GRCh37 (hg19) VCF-style: chr4-73943155-G-A.
Other names: c.7165C>T, p.Arg2389Ter (NM_001286771.3); c.7501C>T, p.Arg2501Ter (NM_015574.2); c.6751C>T, p.Arg2251Ter (NM_198889.3); short protein forms R2251*, R2389*, R2501*, R2502*.
Identifiers: ClinVar variation 3254702 (VCV003254702.1), dbSNP rs1953365097.